The following is an entry in ClinVar:

ClinVar aggregate classification (germline): Uncertain significance (1 of 4 stars; one submission).

Allele frequency attached by ClinVar (database versions not stated): gnomAD 0.00001 and 0.00002; gnomAD exomes 0.00001; TOPMed 0.00001; ExAC 0.00008.

Submission:

Labcorp Genetics (formerly Invitae), Labcorp
Classification: Uncertain significance. Last evaluated: 2021-10-08. Review status: criteria provided, single submitter. Criteria: Invitae Variant Classification Sherloc (09022015). Collection method: clinical testing. Allele origin: germline.
Comment: In summary, the available evidence is currently insufficient to determine the role of this variant in disease. Therefore, it has been classified as a Variant of Uncertain Significance. Experimental studies have shown that this missense change affects AMH function (PMID: 14673134). Algorithms developed to predict the effect of missense changes on protein structure and function are either unavailable or do not agree on the potential impact of this missense change (SIFT: "Not Available"; PolyPhen-2: "Probably Damaging"; Align-GVGD: "Not Available"). This missense change has been observed in individual(s) with persistent Mullerian duct syndrome (PMID: 8162013). While this variant is present in population databases (rs777003373), the frequency information is unreliable, as metrics indicate poor data quality at this position in the ExAC database. This sequence change replaces arginine with cysteine at codon 194 of the AMH protein (p.Arg194Cys). The arginine residue is moderately conserved and there is a large physicochemical difference between arginine and cysteine.

Literature cited by the submitters: PubMed 14673134; PubMed 8162013.

NM_000479.5(AMH):c.580C>T (p.Arg194Cys)

Genes: AMH (anti-Mullerian hormone; plus strand), MIR4321 (microRNA 4321; plus strand), LOC130063038 (ATAC-STARR-seq lymphoblastoid silent region 9776; plus strand). Cytogenetic location: 19p13.3.
Variant type: single nucleotide variant.
Coding change: c.580C>T on transcript NM_000479.5 (MANE Select); coding-DNA position 580, C replaced by T.
Protein change: p.Arg194Cys; replaces arginine 194 with cysteine.
Molecular consequence: missense variant. On other transcripts: non-coding transcript variant (1).
Genome position (GRCh38, 1-based): chr19:2,250,676, C>T. VCF-style: chr19-2250676-C-T. GRCh37 (hg19) VCF-style: chr19-2250675-C-T.
Other names: short protein forms R194C.
Identifiers: ClinVar variation 1480849 (VCV001480849.6), dbSNP rs777003373, ClinGen allele CA9062917.